The following is an entry in ClinVar:

NM_000257.4(MYH7):c.4515G>A (p.Leu1505=)

Genes: MHRT (myosin heavy chain associated RNA transcript; plus strand), MYH7 (myosin heavy chain 7; minus strand). Cytogenetic location: 14q11.2.
Variant type: single nucleotide variant.
Coding change: c.4515G>A on transcript NM_000257.4 (MANE Select); coding-DNA position 4515, G replaced by A.
Protein change: p.Leu1505=; no amino-acid change (leucine 1505 retained).
Molecular consequence: synonymous variant.
Genome position (GRCh38, 1-based): chr14:23,417,157, C>T on the plus strand (G>A on the coding strand, the complement: MYH7 is on the minus strand). VCF-style: chr14-23417157-C-T. GRCh37 (hg19) VCF-style: chr14-23886366-C-T.
Identifiers: ClinVar variation 414333 (VCV000414333.16), dbSNP rs397516219, ClinGen allele CA042499.
Genomic context (GRCh38, chr14:23,417,157, plus strand): 5'-CATATGGGAACACTGCCAGTGCAGCCCCTCCCCAGCCTCTTGGGCCCCCAGCACACCCTG[C>T]AGGTTTTTGTTCTCCCGCTTGAAGGTCTCCAGATGTTCCAGGGACTCCTCATAGGCGTTC-3'
Protein context (NP_000248.2, residues 1495-1515): LETFKRENKN[Leu1505=]QEEISDLTEQ

ClinVar aggregate classification (germline): Likely benign. Review status: criteria provided, multiple submitters, no conflicts (2 of 4 stars). 5 submissions from 5 submitters: Likely benign (5). Last evaluated 2026-01-28.

Conditions:
Cardiovascular phenotype. Identifiers: MedGen CN230736.
Cardiomyopathy (CMYO). Also called: Cardiomyopathies. Identifiers: Orphanet 167848, MedGen C0878544, MONDO:0004994, HP:0001638. Inheritance: Various modes of inheritance.
Hypertrophic cardiomyopathy. Also called: HYPERTROPHIC MYOCARDIOPATHY. Identifiers: Orphanet 217569, MedGen C0007194, MeSH D002312, MONDO:0005045, HP:0001639.

Allele frequency attached by ClinVar (database versions not stated): TOPMed 0.00002.
gnomAD v4.1: 96 of 1,614,068 alleles (0.0059%); highest among the groups gnomAD compares: Non-Finnish European, 0.0079%; no homozygotes.

Submissions (5):

Labcorp Genetics (formerly Invitae), Labcorp
Classification: Likely benign for Hypertrophic cardiomyopathy. Last evaluated: 2026-01-28. Review status: criteria provided, single submitter. Criteria: Invitae Variant Classification Sherloc (09022015). Collection method: clinical testing. Allele origin: germline.

Ambry Genetics
Classification: Likely benign for Cardiovascular phenotype. Last evaluated: 2024-03-15. Review status: criteria provided, single submitter. Criteria: Ambry Variant Classification Scheme 2023. Collection method: clinical testing. Allele origin: germline.

All of Us Research Program, National Institutes of Health
Classification: Likely benign for Cardiomyopathy. Last evaluated: 2023-05-16. Review status: criteria provided, single submitter. Criteria: ACMG Guidelines, 2015. Collection method: clinical testing. Allele origin: germline. Inheritance: Autosomal dominant inheritance. Observed: 1 variant allele, 1 heterozygote.
Comment: This study involves interpretation of variants in research participants for the purpose of population health screening. Participant phenotype was not available at the time of variant classification. Additional details can be found in publication PMID: 35346344, PMCID: PMC8962531

Blueprint Genetics
Classification: Likely benign. Last evaluated: 2021-09-03. Review status: criteria provided, single submitter. Criteria: ACMG Guidelines, 2015. Collection method: clinical testing. Allele origin: germline.

Color Diagnostics, LLC DBA Color Health
Classification: Likely benign for Cardiomyopathy. Last evaluated: 2021-02-02. Review status: criteria provided, single submitter. Criteria: ACMG Guidelines, 2015. Collection method: clinical testing. Allele origin: germline.